The following is an entry in ClinVar:

ClinVar aggregate classification (germline): Uncertain significance (1 of 4 stars; one submission).

Submission:

GeneDx
Classification: Uncertain significance. Last evaluated: 2025-12-12. Review status: criteria provided, single submitter. Criteria: GeneDx Variant Classification Process June 2021. Collection method: clinical testing. Allele origin: germline.
Comment: Not observed at significant frequency in large population cohorts (gnomAD); In silico analysis supports that this missense variant has a deleterious effect on protein structure/function; Has not been previously published as pathogenic or benign to our knowledge

NM_005850.5(SF3B4):c.619C>T (p.Pro207Ser)

Gene: SF3B4 (splicing factor 3b subunit 4; minus strand). Cytogenetic location: 1q21.2.
Variant type: single nucleotide variant.
Coding change: c.619C>T on transcript NM_005850.5 (MANE Select); coding-DNA position 619, C replaced by T.
Protein change: p.Pro207Ser; replaces proline 207 with serine.
Molecular consequence: missense variant.
Genome position (GRCh38, 1-based): chr1:149,926,463, G>A on the plus strand (C>T on the coding strand, the complement: SF3B4 is on the minus strand). VCF-style: chr1-149926463-G-A. GRCh37 (hg19) VCF-style: chr1-149898355-G-A.
Other names: short protein forms P207S.
Identifiers: ClinVar variation 2444705 (VCV002444705.2), dbSNP rs2525122609, ClinGen allele CA342276436.
Genomic context (GRCh38, chr1:149,926,463, plus strand): 5'-ATGATACCACAGGATTGGGAGCAGAGGGTGGAGGAGGTGCATCTGCAAACAGCTGATGAG[G>A]GCGATCAGCCTGGGAGAGCGGGTTCTGAGCTGCCAGAAGTCGTTCGGCTGCTGAGCCATG-3'
Protein context (NP_005841.1, residues 197-217): AQNPLSQADR[Pro207Ser]HQLFADAPPP